The following is an entry in ClinVar:

NM_002067.5(GNA11):c.978dup (p.His327fs)

Gene: GNA11 (G protein subunit alpha 11; plus strand). Cytogenetic location: 19p13.3.
Variant type: Duplication.
Coding change: c.978dup on transcript NM_002067.5 (MANE Select); coding-DNA position 978, one base duplicated (A; older notation c.978dupA).
Protein change: p.His327fs; shifts the reading frame from histidine 327.
Molecular consequence: frameshift variant.
Genome position (GRCh38, 1-based): chr19:3,121,077, A duplicated. VCF-style (leftmost placement, unchanged base first): chr19-3121076-C-CA. GRCh37 (hg19) VCF-style: chr19-3121074-C-CA.
Other names: short protein forms H327fs.
Identifiers: ClinVar variation 1979420 (VCV001979420.5), dbSNP rs2512098377, ClinGen allele CA2580096152.

ClinVar aggregate classification (germline): Uncertain significance. Review status: criteria provided, multiple submitters, no conflicts (2 of 4 stars). 2 submissions from 2 submitters: Uncertain significance (2). Last evaluated 2024-06-17.

Submissions (2):

Blueprint Genetics
Classification: Uncertain significance. Last evaluated: 2024-06-17. Review status: criteria provided, single submitter. Criteria: ACMG Guidelines, 2015. Collection method: clinical testing. Allele origin: germline.

Labcorp Genetics (formerly Invitae), Labcorp
Classification: Uncertain significance. Last evaluated: 2022-12-24. Review status: criteria provided, single submitter. Criteria: Invitae Variant Classification Sherloc (09022015). Collection method: clinical testing. Allele origin: germline.
Comment: This variant has not been reported in the literature in individuals affected with GNA11-related conditions. This variant is not present in population databases (gnomAD no frequency). This sequence change results in a frameshift in the GNA11 gene (p.His327Thrfs*151). While this is not anticipated to result in nonsense mediated decay, it is expected to disrupt the last 33 amino acid(s) of the GNA11 protein and extend the protein by 117 additional amino acid residues. Experimental studies and prediction algorithms are not available or were not evaluated, and the functional significance of this variant is currently unknown. In summary, the available evidence is currently insufficient to determine the role of this variant in disease. Therefore, it has been classified as a Variant of Uncertain Significance.